The following is an entry in ClinVar:

NM_000431.4(MVK):c.577G>A (p.Glu193Lys)

Gene: MVK (mevalonate kinase; plus strand). Cytogenetic location: 12q24.11.
Variant type: single nucleotide variant.
Coding change: c.577G>A on transcript NM_000431.4 (MANE Select); coding-DNA position 577, G replaced by A.
Protein change: p.Glu193Lys; replaces glutamic acid 193 with lysine.
Molecular consequence: missense variant. On other transcripts: 5 prime UTR variant (1), non-coding transcript variant (4).
Genome position (GRCh38, 1-based): chr12:109,586,071, G>A. VCF-style: chr12-109586071-G-A. GRCh37 (hg19) VCF-style: chr12-110023876-G-A.
Other names: c.577G>A, p.Glu193Lys (NM_001114185.3, NM_001414511.1, NM_001414512.1 and 1 more transcripts); c.421G>A, p.Glu141Lys (NM_001301182.2, NM_001414514.1); c.-6G>A (NM_001414515.1); short protein forms E193K, E141K.
Identifiers: ClinVar variation 2945416 (VCV002945416.3), dbSNP rs1233634021, ClinGen allele CA386647623.

ClinVar aggregate classification (germline): Uncertain significance (1 of 4 stars; one submission).

Conditions:
Mevalonic aciduria (MEVA). Identifiers: Orphanet 29, MedGen C1959626, MONDO:0012481, OMIM 610377.
Porokeratosis 3, disseminated superficial actinic type (POROK3). Also called: POROKERATOSIS, DISSEMINATED SUPERFICIAL ACTINIC, 1; POROKERATOSIS 3, MULTIPLE TYPES; POROKERATOSIS 3, MIBELLI TYPE. Identifiers: MedGen C1867981, MONDO:0008293, OMIM 175900.
Hyperimmunoglobulin D with periodic fever (HIDS). Also called: Hyperimmunoglobulinemia D with periodic fever; HYPERIMMUNOGLOBULINEMIA D AND PERIODIC FEVER SYNDROME; Hyperimmunoglobulinemia D. Identifiers: Orphanet 343, MedGen C0398691, MONDO:0009849, OMIM 260920.

Allele frequency attached by ClinVar (database versions not stated): gnomAD exomes below 0.00001; TOPMed below 0.00001; gnomAD 0.00001.

Submission:

Labcorp Genetics (formerly Invitae), Labcorp
Classification: Uncertain significance for Mevalonic aciduria; Hyperimmunoglobulin D with periodic fever; Porokeratosis 3, disseminated superficial actinic type. Last evaluated: 2025-10-21. Review status: criteria provided, single submitter. Criteria: Invitae Variant Classification Sherloc (09022015). Collection method: clinical testing. Allele origin: germline.
Comment: This sequence change replaces glutamic acid, which is acidic and polar, with lysine, which is basic and polar, at codon 193 of the MVK protein (p.Glu193Lys). This variant is not present in population databases (gnomAD no frequency). This variant has not been reported in the literature in individuals affected with MVK-related conditions. ClinVar contains an entry for this variant (Variation ID: 2945416). Invitae Evidence Modeling of protein sequence and biophysical properties (such as structural, functional, and spatial information, amino acid conservation, physicochemical variation, residue mobility, and thermodynamic stability) indicates that this missense variant is expected to disrupt MVK protein function with a positive predictive value of 95%. In summary, the available evidence is currently insufficient to determine the role of this variant in disease. Therefore, it has been classified as a Variant of Uncertain Significance.